The following is an entry in ClinVar:

ClinVar aggregate classification (germline): Likely benign (0 of 4 stars; one submission).

Conditions:
PLXNA3-related disorder. Also called: PLXNA3-related condition.

Allele frequency attached by ClinVar (database versions not stated): gnomAD exomes below 0.00001; ExAC 0.00002.
gnomAD v4.1: 3 of 1,204,412 alleles (0.00025%); highest among the groups gnomAD compares: Admixed American, 0.0022%; no homozygotes.

Submission:

PreventionGenetics, part of Exact Sciences
Classification: Likely benign for PLXNA3-related condition. Last evaluated: 2023-03-06. Review status: no assertion criteria provided. Collection method: clinical testing. Allele origin: germline.
Comment: This variant is classified as likely benign based on ACMG/AMP sequence variant interpretation guidelines (Richards et al. 2015 PMID: 25741868, with internal and published modifications).

NM_017514.5(PLXNA3):c.1920C>T (p.Val640=)

Gene: PLXNA3 (plexin A3; plus strand). Cytogenetic location: Xq28.
Variant type: single nucleotide variant.
Coding change: c.1920C>T on transcript NM_017514.5 (MANE Select); coding-DNA position 1920, C replaced by T.
Protein change: p.Val640=; no amino-acid change (valine 640 retained).
Molecular consequence: synonymous variant.
Genome position (GRCh38, 1-based): chrX:154,464,493, C>T. VCF-style: chrX-154464493-C-T. GRCh37 (hg19) VCF-style: chrX-153692836-C-T.
Identifiers: ClinVar variation 3054927 (VCV003054927.2), dbSNP rs782065498, ClinGen allele CA10564211.